The following is an entry in ClinVar:

ClinVar aggregate classification (germline): Conflicting classifications of pathogenicity. Review status: criteria provided, conflicting classifications (1 of 4 stars). 7 submissions from 5 submitters: Uncertain significance (4); Benign (1); Likely benign (1). 1 of the submissions does not count toward it. Last evaluated 2025-05-14.

Conditions:
Crigler-Najjar syndrome. Identifiers: Orphanet 205, MedGen C5551003, MONDO:0009044.
UGT1A1-related disorder. Also called: UGT1A1-related condition; UGT1A1-related disorders.
Gilbert syndrome. Also called: Gilbert's syndrome; HYPERBILIRUBINEMIA I; HYPERBILIRUBINEMIA, ARIAS TYPE; HYPERBILIRUBINEMIA, GILBERT TYPE; Gilbert Disease. Identifiers: MedGen C0017551, MONDO:0007745, OMIM 143500.
Lucey-Driscoll syndrome (HBLRTFN). Also called: Transient familial neonatal hyperbilirubinemia. Identifiers: Orphanet 2312, MedGen C0270210, MONDO:0009383, OMIM 237900.

Allele frequency attached by ClinVar (database versions not stated): gnomAD 0.00009 and 0.00011; TOPMed 0.00014; gnomAD exomes 0.00025; ExAC 0.00026; 1000 Genomes Project 30x 0.00047; 1000 Genomes Project 0.00060.
gnomAD v4.1: 102 of 1,614,200 alleles (0.0063%); highest among the groups gnomAD compares: East Asian, 0.19%; 1 homozygote.

Submissions (7):

Labcorp Genetics (formerly Invitae), Labcorp
Classification: Benign. Last evaluated: 2025-05-14. Review status: criteria provided, single submitter. Criteria: Invitae Variant Classification Sherloc (09022015). Collection method: clinical testing. Allele origin: germline.

ARUP Laboratories, Molecular Genetics and Genomics, ARUP Laboratories
Classification: Likely benign. Last evaluated: 2024-10-11. Review status: criteria provided, single submitter. Criteria: ARUP Molecular Germline Variant Investigation Process 2024. Collection method: clinical testing. Allele origin: germline.

Eurofins Ntd Llc (ga)
Classification: Uncertain significance. Last evaluated: 2018-09-17. Review status: criteria provided, single submitter. Criteria: EGL ClinVar v180209 classification definitions. Collection method: clinical testing. Allele origin: germline. Observed: 7 variant alleles, 7 heterozygotes.

Illumina Laboratory Services, Illumina
Classification: Uncertain significance for Gilbert syndrome. Last evaluated: 2017-04-28. Review status: criteria provided, single submitter. Criteria: ICSL Variant Classification Criteria 13 December 2019. Collection method: clinical testing. Allele origin: germline.

Illumina Laboratory Services, Illumina
Classification: Uncertain significance for Crigler-Najjar syndrome. Last evaluated: 2017-04-28. Review status: criteria provided, single submitter. Criteria: ICSL Variant Classification Criteria 13 December 2019. Collection method: clinical testing. Allele origin: germline.

Illumina Laboratory Services, Illumina
Classification: Uncertain significance for Lucey-Driscoll syndrome. Last evaluated: 2017-04-28. Review status: criteria provided, single submitter. Criteria: ICSL Variant Classification Criteria 13 December 2019. Collection method: clinical testing. Allele origin: germline.
Comment: This variant was observed as part of a predisposition screen in an ostensibly healthy population. A literature search was performed for the gene, cDNA change, and amino acid change (where applicable). Publications were found based on this search. However, the evidence from the literature, in combination with allele frequency data from public databases where available, was not sufficient to rule this variant in or out of causing disease. Therefore, this variant is classified as a variant of unknown significance.

PreventionGenetics, part of Exact Sciences
Classification: Likely benign for UGT1A1-related condition. Last evaluated: 2021-04-12. Review status: no assertion criteria provided. Collection method: clinical testing. Allele origin: germline. Not counted in ClinVar's aggregate classification.
Comment: This variant is classified as likely benign based on ACMG/AMP sequence variant interpretation guidelines (Richards et al. 2015 PMID: 25741868, with internal and published modifications).

Literature cited by the submitters: PubMed 23290513 (cited by Illumina Laboratory Services, Illumina); PubMed 26200705 (cited by Illumina Laboratory Services, Illumina).

NM_000463.3(UGT1A1):c.189C>T (p.Asp63=)

Genes: UGT1A7 (UDP glucuronosyltransferase family 1 member A7; plus strand), UGT1A (UDP glucuronosyltransferase family 1 member A complex locus; plus strand), UGT1A6 (UDP glucuronosyltransferase family 1 member A6; plus strand), UGT1A1 (UDP glucuronosyltransferase family 1 member A1; plus strand), UGT1A3 (UDP glucuronosyltransferase family 1 member A3; plus strand) and 5 more. Cytogenetic location: 2q37.1.
Variant type: single nucleotide variant.
Coding change: c.189C>T on transcript NM_000463.3 (MANE Select); coding-DNA position 189, C replaced by T.
Protein change: p.Asp63=; no amino-acid change (aspartic acid 63 retained).
Molecular consequence: synonymous variant. On other transcripts: intron variant (9).
Genome position (GRCh38, 1-based): chr2:233,760,476, C>T. VCF-style: chr2-233760476-C-T. GRCh37 (hg19) VCF-style: chr2-234669122-C-T.
Other names: c.856-6558C>T (NM_019076.5, NM_019075.4, NM_021027.3 and 1 more transcripts); c.61-6558C>T (NM_205862.3); c.862-6558C>T (NM_001072.4); c.868-6558C>T (NM_019078.2, NM_007120.3, NM_019093.4).
Identifiers: ClinVar variation 500144 (VCV000500144.20), dbSNP rs191471887, ClinGen allele CA2179786.